The following is an entry in ClinVar:

NM_003906.5(MCM3AP):c.4747G>A (p.Glu1583Lys)

Genes: MCM3AP (minichromosome maintenance complex component 3 associated protein; minus strand), MCM3AP-AS1 (MCM3AP antisense RNA 1; plus strand). Cytogenetic location: 21q22.3.
Variant type: single nucleotide variant.
Coding change: c.4747G>A on transcript NM_003906.5 (MANE Select); coding-DNA position 4747, G replaced by A.
Protein change: p.Glu1583Lys; replaces glutamic acid 1583 with lysine.
Molecular consequence: missense variant.
Genome position (GRCh38, 1-based): chr21:46,245,098, C>T on the plus strand (G>A on the coding strand, the complement: MCM3AP is on the minus strand). VCF-style: chr21-46245098-C-T. GRCh37 (hg19) VCF-style: chr21-47665012-C-T.
Other names: short protein forms E1583K.
Identifiers: ClinVar variation 2131138 (VCV002131138.4), dbSNP rs1569054578, ClinGen allele CA410543759.

ClinVar aggregate classification (germline): Uncertain significance (1 of 4 stars; one submission).

Allele frequency attached by ClinVar (database versions not stated): gnomAD 0.00001.
gnomAD v4.1: 1 of 1,614,230 alleles (0.000062%); highest among the groups gnomAD compares: East Asian, 0.0022%; no homozygotes.

Submission:

Labcorp Genetics (formerly Invitae), Labcorp
Classification: Uncertain significance. Last evaluated: 2022-05-05. Review status: criteria provided, single submitter. Criteria: Invitae Variant Classification Sherloc (09022015). Collection method: clinical testing. Allele origin: germline.
Comment: In summary, the available evidence is currently insufficient to determine the role of this variant in disease. Therefore, it has been classified as a Variant of Uncertain Significance. Algorithms developed to predict the effect of missense changes on protein structure and function are either unavailable or do not agree on the potential impact of this missense change (SIFT: "Tolerated"; PolyPhen-2: "Probably Damaging"; Align-GVGD: "Class C0"). This variant has not been reported in the literature in individuals affected with MCM3AP-related conditions. This variant is not present in population databases (gnomAD no frequency). This sequence change replaces glutamic acid, which is acidic and polar, with lysine, which is basic and polar, at codon 1583 of the MCM3AP protein (p.Glu1583Lys).